The following is an entry in ClinVar:

NM_001710.6(CFB):c.1112A>G (p.Asp371Gly)

Gene: CFB (complement factor B; plus strand). Cytogenetic location: 6p21.33.
Variant type: single nucleotide variant.
Coding change: c.1112A>G on transcript NM_001710.6 (MANE Select); coding-DNA position 1112, A replaced by G.
Protein change: p.Asp371Gly; replaces aspartic acid 371 with glycine.
Molecular consequence: missense variant.
Genome position (GRCh38, 1-based): chr6:31,948,905, A>G. VCF-style: chr6-31948905-A-G. GRCh37 (hg19) VCF-style: chr6-31916682-A-G.
Other names: short protein forms D371G.
Identifiers: ClinVar variation 4280410 (VCV004280410.2).

ClinVar aggregate classification (germline): Pathogenic (1 of 4 stars; one submission).

Conditions:
Atypical hemolytic-uremic syndrome. Identifiers: Orphanet 2134, MedGen C2931788, MONDO:0016244.

Submission:

Genomenon, Inc
Classification: Pathogenic for Atypical hemolytic-uremic syndrome. Last evaluated: 2026-09-17. Review status: criteria provided, single submitter. Criteria: Genomenon Sequence Variant Interpretation Standards - Updated. Collection method: curation. Allele origin: germline. Affected: yes.
Comment: CFB p.Asp371Gly (c.1112A>G) is a missense variant that changes the amino acid at codon 371 from Aspartic acid to Glycine. This variant has been observed in at least one proband affected with atypical hemolytic-uremic syndrome (PMID:26559391;37180503). The variant was found to segregate with disease in at least one affected family (PMID:37180503). At least one functional study has demonstrated a substantial alteration in protein function relative to the wild-type (PMID:34177949). This variant is located in a mutational hotspot and/or important functional domain. It is absent or not present at a significant frequency in gnomAD. In silico models predict that this variant is not damaging. In conclusion, we classify CFB p.Asp371Gly (c.1112A>G) as a pathogenic variant.

Literature cited by the submitters: PubMed 26559391; PubMed 37180503; PubMed 34177949.